The following is an entry in ClinVar:

NM_001330260.2(SCN8A):c.5636C>A (p.Ser1879Tyr)

Gene: SCN8A (sodium voltage-gated channel alpha subunit 8; plus strand). Cytogenetic location: 12q13.13.
Variant type: single nucleotide variant.
Coding change: c.5636C>A on transcript NM_001330260.2 (MANE Select); coding-DNA position 5636, C replaced by A.
Protein change: p.Ser1879Tyr; replaces serine 1879 with tyrosine.
Molecular consequence: missense variant.
Genome position (GRCh38, 1-based): chr12:51,807,122, C>A. VCF-style: chr12-51807122-C-A. GRCh37 (hg19) VCF-style: chr12-52200906-C-A.
Other names: c.5513C>A, p.Ser1838Tyr (NM_001177984.3, NM_001369788.1); c.5636C>A, p.Ser1879Tyr (NM_014191.4); short protein forms S1838Y, S1879Y.
Identifiers: ClinVar variation 2575995 (VCV002575995.1), dbSNP rs2540335831, ClinGen allele CA384888251.

ClinVar aggregate classification (germline): Uncertain significance (1 of 4 stars; one submission).

Submission:

Institute for Clinical Genetics, University Hospital TU Dresden, University Hospital TU Dresden
Classification: Uncertain significance. Last evaluated: 2022-08-22. Review status: criteria provided, single submitter. Criteria: ACMG Guidelines, 2015. Collection method: clinical testing. Allele origin: germline.
Comment: PP3, PM1, PM2_SUP